The following is an entry in ClinVar:

ClinVar aggregate classification (germline): Likely benign. Review status: criteria provided, multiple submitters, no conflicts (2 of 4 stars). 3 submissions from 3 submitters: Likely benign (2). 1 of the submissions does not count toward it. Last evaluated 2026-01-25.

Conditions:
SGPL1-related disorder. Also called: SGPL1-related condition. Identifiers: MedGen CN380158.

Allele frequency attached by ClinVar (database versions not stated): gnomAD 0.00013; TOPMed 0.00023; 1000 Genomes Project 0.00060; 1000 Genomes Project 30x 0.00062.
gnomAD v4.1: 116 of 1,613,948 alleles (0.0072%); highest among the groups gnomAD compares: Middle Eastern, 0.066%; no homozygotes.

Submissions (3):

Labcorp Genetics (formerly Invitae), Labcorp
Classification: Likely benign. Last evaluated: 2026-01-25. Review status: criteria provided, single submitter. Criteria: Invitae Variant Classification Sherloc (09022015). Collection method: clinical testing. Allele origin: germline.

Women's Health and Genetics/Laboratory Corporation of America, LabCorp
Classification: Likely benign. Last evaluated: 2025-12-16. Review status: criteria provided, single submitter. Criteria: LabCorp Variant Classification Summary - May 2015. Collection method: clinical testing. Allele origin: germline.

PreventionGenetics, part of Exact Sciences
Classification: Likely benign for SGPL1-related condition. Last evaluated: 2021-06-25. Review status: no assertion criteria provided. Collection method: clinical testing. Allele origin: germline. Not counted in ClinVar's aggregate classification.
Comment: This variant is classified as likely benign based on ACMG/AMP sequence variant interpretation guidelines (Richards et al. 2015 PMID: 25741868, with internal and published modifications).

NM_003901.4(SGPL1):c.312A>G (p.Ser104=)

Gene: SGPL1 (sphingosine-1-phosphate lyase 1; plus strand). Cytogenetic location: 10q22.1.
Variant type: single nucleotide variant.
Coding change: c.312A>G on transcript NM_003901.4 (MANE Select); coding-DNA position 312, A replaced by G.
Protein change: p.Ser104=; no amino-acid change (serine 104 retained).
Molecular consequence: synonymous variant.
Genome position (GRCh38, 1-based): chr10:70,854,758, A>G. VCF-style: chr10-70854758-A-G. GRCh37 (hg19) VCF-style: chr10-72614515-A-G.
Other names: c.312A>G (NM_003901.3).
Identifiers: ClinVar variation 2071985 (VCV002071985.7), dbSNP rs148829973, ClinGen allele CA5541145.